The following is an entry in ClinVar:

NM_000429.3(MAT1A):c.*569C>G

Genes: MAT1A (methionine adenosyltransferase 1A; minus strand), LOC126860980 (CDK7 strongly-dependent group 2 enhancer GRCh37_chr10:82032694-82033893; plus strand). Cytogenetic location: 10q22.3.
Variant type: single nucleotide variant.
Coding change: c.*569C>G on transcript NM_000429.3 (MANE Select); 569 bases downstream of the stop codon, C replaced by G.
Molecular consequence: 3 prime UTR variant.
Genome position (GRCh38, 1-based): chr10:80,273,212, G>C on the plus strand (C>G on the coding strand, the complement: MAT1A is on the minus strand). VCF-style: chr10-80273212-G-C. GRCh37 (hg19) VCF-style: chr10-82032968-G-C.
Other names: NC_000010.10:g.82032968G>C.
Identifiers: ClinVar variation 301175 (VCV000301175.6), dbSNP rs78720701, ClinGen allele CA10632487.
Genomic context (GRCh38, chr10:80,273,212, plus strand): 5'-GTGCTTTGCTTTCCCCCATCTATAAATGGGATATAAAAGGTACTACCTCATCATGTTGCA[G>C]TGAAGAAAAAACGAGATCAGTTATTAGCTGGGTCCCTCGCACATTACAGGTGCTTAGGAG-3'

ClinVar aggregate classification (germline): Benign (1 of 4 stars; one submission).

Conditions:
Hepatic methionine adenosyltransferase deficiency. Also called: Isolated Persistent Hypermethioninemia; Deficiency of methionine adenosyltransferase; Methionine adenosyltransferase deficiency; MAT I/III DEFICIENCY. Identifiers: Orphanet 168598, MedGen C0268621, MeSH C564683, MONDO:0009607, OMIM 250850.

Allele frequency attached by ClinVar (database versions not stated): gnomAD exomes 0.00214; gnomAD 0.03544 and 0.03798; TOPMed 0.03971; 1000 Genomes Project 0.04173; 1000 Genomes Project 30x 0.04575.
gnomAD v4.1: 5,370 of 164,088 alleles (3.3%); highest among the groups gnomAD compares: African/African-American, 12%; 328 homozygotes.

Submissions (2):

Illumina Laboratory Services, Illumina
Classification: Benign for Hepatic methionine adenosyltransferase deficiency. Last evaluated: 2018-01-12. Review status: criteria provided, single submitter. Criteria: ICSL Variant Classification Criteria 13 December 2019. Collection method: clinical testing. Allele origin: germline.
Comment: This variant was observed in the ICSL laboratory as part of a predisposition screen in an ostensibly healthy population. It had not been previously curated by ICSL or reported in the Human Gene Mutation Database (HGMD: prior to June 1st, 2018), and was therefore a candidate for classification through an automated scoring system. Utilizing variant allele frequency, disease prevalence and penetrance estimates, and inheritance mode, an automated score was calculated to assess if this variant is too frequent to cause the disease. Based on the score and internal cut-off values, a variant classified as benign is not then subjected to further curation. The score for this variant resulted in a classification of benign for this disease.

Dr. Peter K. Rogan Lab, Western University
No classification provided (evidence only). Condition: Ovarian serous cystadenocarcinoma. Review status: no classification provided. Collection method: in vitro. Allele origin: not applicable. Functional consequence: retained intron. Not counted in ClinVar's aggregate classification.